The following is an entry in ClinVar:

ClinVar aggregate classification (germline): Uncertain significance (1 of 4 stars; one submission).

Conditions:
Cardiovascular phenotype. Identifiers: MedGen CN230736.

Allele frequency attached by ClinVar (database versions not stated): gnomAD 0.00001; TOPMed 0.00002.

Submission:

Ambry Genetics
Classification: Uncertain significance for Cardiovascular phenotype. Last evaluated: 2023-02-23. Review status: criteria provided, single submitter. Criteria: Ambry Variant Classification Scheme 2023. Collection method: clinical testing. Allele origin: germline.
Comment: The p.Q28R variant (also known as c.83A>G), located in coding exon 2 of the APOC2 gene, results from an A to G substitution at nucleotide position 83. The glutamine at codon 28 is replaced by arginine, an amino acid with highly similar properties. This amino acid position is conserved. In addition, this alteration is predicted to be tolerated by in silico analysis. Since supporting evidence is limited at this time, the clinical significance of this alteration remains unclear.

NM_000483.5(APOC2):c.83A>G (p.Gln28Arg)

Genes: APOC2 (apolipoprotein C2; plus strand), APOC4-APOC2 (APOC4-APOC2 readthrough (NMD candidate); plus strand). Cytogenetic location: 19q13.32.
Variant type: single nucleotide variant.
Coding change: c.83A>G on transcript NM_000483.5 (MANE Select); coding-DNA position 83, A replaced by G.
Protein change: p.Gln28Arg; replaces glutamine 28 with arginine.
Molecular consequence: missense variant. On other transcripts: non-coding transcript variant (1).
Genome position (GRCh38, 1-based): chr19:44,948,728, A>G. VCF-style: chr19-44948728-A-G. GRCh37 (hg19) VCF-style: chr19-45451985-A-G.
Other names: short protein forms Q28R.
Identifiers: ClinVar variation 2447637 (VCV002447637.2), dbSNP rs1212588079, ClinGen allele CA406292335.
Genomic context (GRCh38, chr19:44,948,728, plus strand): 5'-CACGGGCTCTCCTGACACACTCTCCCCCTGCAGAGGTCCAGGGGACCCAACAGCCCCAGC[A>G]AGATGAGATGCCTAGCCCGACCTTCCTCACCCAGGTGAAGGAATCTCTCTCCAGTTACTG-3'
Protein context (NP_000474.2, residues 18-38): FEVQGTQQPQ[Gln28Arg]DEMPSPTFLT